The following is an entry in ClinVar:

ClinVar aggregate classification (germline): Likely pathogenic (1 of 4 stars; one submission).

Submission:

GeneDx
Classification: Likely pathogenic. Last evaluated: 2022-10-18. Review status: criteria provided, single submitter. Criteria: GeneDx Variant Classification Process June 2021. Collection method: clinical testing. Allele origin: germline.
Comment: Not observed at significant frequency in large population cohorts (gnomAD); In silico analysis supports that this missense variant has a deleterious effect on protein structure/function; Has not been previously published as pathogenic or benign to our knowledge

NM_001083961.2(WDR62):c.1667G>A (p.Ser556Asn)

Gene: WDR62 (WD repeat domain 62; plus strand). Cytogenetic location: 19q13.12.
Variant type: single nucleotide variant.
Coding change: c.1667G>A on transcript NM_001083961.2 (MANE Select); coding-DNA position 1667, G replaced by A.
Protein change: p.Ser556Asn; replaces serine 556 with asparagine.
Molecular consequence: missense variant.
Genome position (GRCh38, 1-based): chr19:36,086,711, G>A. VCF-style: chr19-36086711-G-A. GRCh37 (hg19) VCF-style: chr19-36577613-G-A.
Other names: c.1667G>A, p.Ser556Asn (NM_173636.5); short protein forms S556N.
Identifiers: ClinVar variation 1702619 (VCV001702619.3), dbSNP rs780553760, ClinGen allele CA405439068.